The following is an entry in ClinVar:

NM_000038.6(APC):c.8404C>T (p.Pro2802Ser)

Gene: APC (APC regulator of Wnt signaling pathway; plus strand). Cytogenetic location: 5q22.2.
Variant type: single nucleotide variant.
Coding change: c.8404C>T on transcript NM_000038.6 (MANE Select); coding-DNA position 8404, C replaced by T.
Protein change: p.Pro2802Ser; replaces proline 2802 with serine.
Molecular consequence: missense variant.
Genome position (GRCh38, 1-based): chr5:112,843,998, C>T. VCF-style: chr5-112843998-C-T. GRCh37 (hg19) VCF-style: chr5-112179695-C-T.
Other names: c.8404C>T (NM_000038.5); c.8404C>T, p.Pro2802Ser (NM_001127510.3, NM_001354895.2); c.8350C>T, p.Pro2784Ser (NM_001127511.3); c.8458C>T, p.Pro2820Ser (NM_001354896.2); c.8434C>T, p.Pro2812Ser (NM_001354897.2); c.8329C>T, p.Pro2777Ser (NM_001354898.2); c.8320C>T, p.Pro2774Ser (NM_001354899.2); c.8281C>T, p.Pro2761Ser (NM_001354900.2); and 6 more; short protein forms P2711S, P2777S, P2676S, P2701S, P2820S, P2519S, P2761S, P2774S.
Identifiers: ClinVar variation 1039299 (VCV001039299.11), dbSNP rs1766736874, ClinGen allele CA16039569.

ClinVar aggregate classification (germline): Uncertain significance. Review status: criteria provided, multiple submitters, no conflicts (2 of 4 stars). 2 submissions from 2 submitters: Uncertain significance (2). Last evaluated 2024-06-08.

Conditions:
Hereditary cancer-predisposing syndrome. Also called: Neoplastic Syndromes, Hereditary; Hereditary Cancer Syndrome; Tumor predisposition; Hereditary neoplastic syndrome. Identifiers: Orphanet 140162, MedGen C0027672, MeSH D009386, MONDO:0015356.
Familial adenomatous polyposis 1 (FAP1). Also called: FAMILIAL ADENOMATOUS POLYPOSIS 1, ATTENUATED; POLYPOSIS, ADENOMATOUS INTESTINAL. Identifiers: MedGen C2713442, MONDO:0021056, OMIM 175100. Disease mechanism: loss of function.

Submissions (2):

Ambry Genetics
Classification: Uncertain significance for Hereditary cancer-predisposing syndrome. Last evaluated: 2024-06-08. Review status: criteria provided, single submitter. Criteria: Ambry Variant Classification Scheme 2023. Collection method: clinical testing. Allele origin: germline.
Comment: The p.P2802S variant (also known as c.8404C>T), located in coding exon 15 of the APC gene, results from a C to T substitution at nucleotide position 8404. The proline at codon 2802 is replaced by serine, an amino acid with similar properties. This amino acid position is conserved. In addition, in silico predictors for this gene do not accurately predict pathogenicity. Based on the available evidence, the clinical significance of this variant remains unclear.

Labcorp Genetics (formerly Invitae), Labcorp
Classification: Uncertain significance for Familial adenomatous polyposis 1. Last evaluated: 2022-10-05. Review status: criteria provided, single submitter. Criteria: Invitae Variant Classification Sherloc (09022015). Collection method: clinical testing. Allele origin: germline.
Comment: This variant has not been reported in the literature in individuals affected with APC-related conditions. In summary, the available evidence is currently insufficient to determine the role of this variant in disease. Therefore, it has been classified as a Variant of Uncertain Significance. Advanced modeling of protein sequence and biophysical properties (such as structural, functional, and spatial information, amino acid conservation, physicochemical variation, residue mobility, and thermodynamic stability) performed at Invitae indicates that this missense variant is not expected to disrupt APC protein function. ClinVar contains an entry for this variant (Variation ID: 1039299). This variant is not present in population databases (gnomAD no frequency). This sequence change replaces proline, which is neutral and non-polar, with serine, which is neutral and polar, at codon 2802 of the APC protein (p.Pro2802Ser).